The following is an entry in ClinVar:

ClinVar aggregate classification (germline): Conflicting classifications of pathogenicity. Review status: criteria provided, conflicting classifications (1 of 4 stars). 12 submissions from 12 submitters: Uncertain significance (9); Likely benign (2). 1 of the submissions does not count toward it. Last evaluated 2026-01-29.

Conditions:
Breast-ovarian cancer, familial, susceptibility to, 5 (BROVCA5). Identifiers: MedGen C5830615, MONDO:0957530, OMIM 620442.
Hereditary cancer-predisposing syndrome. Also called: Hereditary Cancer Syndrome; Tumor predisposition; Hereditary neoplastic syndrome; Neoplastic Syndromes, Hereditary. Identifiers: Orphanet 140162, MedGen C0027672, MeSH D009386, MONDO:0015356.
Familial cancer of breast. Also called: hereditary breast carcinoma; Hereditary breast cancer; BREAST CANCER, FAMILIAL. Identifiers: Orphanet 227535, MedGen C0346153, MONDO:0016419, OMIM 114480. Disease mechanism: loss of function.
PALB2-related cancer predisposition. Identifiers: MedGen CN377761, MONDO:0700272.

Allele frequency attached by ClinVar (database versions not stated): gnomAD 0.00001; gnomAD exomes 0.00001 and 0.00003; TOPMed 0.00002; ExAC 0.00007.
gnomAD v4.1: 22 of 1,609,282 alleles (0.0014%); highest among the groups gnomAD compares: Admixed American, 0.013%; no homozygotes.

Submissions (12):

Hema, HEMA – Genetic and Molecular Diagnostic Laboratory
Classification: Uncertain significance for PALB2-related cancer predisposition. Last evaluated: 2026-01-29. Review status: criteria provided, single submitter. Criteria: HEMA Variant Classification Assertion Criteria. Collection method: clinical testing. Allele origin: germline.
Comment: The c.229T>C p.(Cys77Arg) variant is a transition from adenine to guanine, resulting in the substitution of cysteine 77 with arginine. BP1: It is a missense variant in a gene in which primarily truncating variants are known to cause disease.

Labcorp Genetics (formerly Invitae), Labcorp
Classification: Uncertain significance for Familial cancer of breast. Last evaluated: 2025-12-14. Review status: criteria provided, single submitter. Criteria: Invitae Variant Classification Sherloc (09022015). Collection method: clinical testing. Allele origin: germline.
Comment: This sequence change replaces cysteine, which is neutral and slightly polar, with arginine, which is basic and polar, at codon 77 of the PALB2 protein (p.Cys77Arg). This variant is present in population databases (rs760045493, gnomAD 0.02%). This variant has not been reported in the literature in individuals affected with PALB2-related conditions. ClinVar contains an entry for this variant (Variation ID: 233693). An algorithm developed to predict the effect of missense changes on protein structure and function (PolyPhen-2) suggests that this variant is likely to be tolerated. In summary, the available evidence is currently insufficient to determine the role of this variant in disease. Therefore, it has been classified as a Variant of Uncertain Significance.

Molecular Diagnostics Laboratory, Catalan Institute of Oncology
Classification: Uncertain significance for Hereditary cancer-predisposing syndrome. Last evaluated: 2025-07-29. Review status: criteria provided, single submitter. Criteria: ClinGen ACMG Specifications PALB2 V1.1.0. Collection method: clinical testing. Allele origin: germline.
Comment: BP1 c.229T>C, located in exon 4 of the PALB2 gene, is predicted to result in the substitution of cysteine with arginine at codon 77, p.(Cys77Arg). The SpliceAI algorithm predicts no significant impact on splicing, and there is a very low likelihood that missense variants are pathogenic in PALB2 (BP1). This variant is found in 8/262494 alleles at a frequency of 0.003% in the gnomAD v2.1.1 database, non-cancer dataset. To our knowledge, no well-established functional studies have been reported for this variant. It has been reported in 1 out of 11,241 healthy controls and in none of 7,051 breast cancer cases (PMID: 33471991). This variant has been reported in the ClinVar database (2x likely benign, 8x uncertain significance), and has not been reported in LOVD. Based on the currently available information, c.229T>C is classified as an uncertain significance variant according to ClinGen Hereditary Breast, Ovarian and Pancreatic Cancer Expert Panel Specifications to the ACMG/AMP Variant Interpretation Guidelines for PALB2 Version 1.1.0.

Myriad Genetics, Inc.
Classification: Likely benign for Familial cancer of breast. Last evaluated: 2025-01-10. Review status: criteria provided, single submitter. Criteria: Myriad Autosomal Dominant, Autosomal Recessive and X-Linked Classification Criteria (2023). Collection method: clinical testing. Allele origin: unknown.
Comment: This variant is considered likely benign. This variant is strongly associated with less severe personal and family histories of cancer, typical for individuals without pathogenic variants in this gene [PMID: 25085752].

Color Diagnostics, LLC DBA Color Health
Classification: Uncertain significance for Hereditary cancer-predisposing syndrome. Last evaluated: 2024-03-06. Review status: criteria provided, single submitter. Criteria: ACMG Guidelines, 2015. Collection method: clinical testing. Allele origin: germline.
Comment: This missense variant replaces cysteine with arginine at codon 77 of the PALB2 protein. Computational prediction suggests that this variant may not impact protein structure and function. To our knowledge, functional studies have not been reported for this variant. This variant has been detected in a suspected hereditary breast and ovarian cancer family (PMID: 29522266) and in a prostate cancer case-control study in 1/7636 cases and 3/12366 unaffected individuals (PMID: 31214711). This variant also has been reported in a breast cancer and a pancreatic cancer case-control study in 4 unaffected individuals in each study and absent in cancer cases (PMID: 30287823, 32980694). This variant has been identified in 9/276558 chromosomes in the general population by the Genome Aggregation Database (gnomAD). The available evidence is insufficient to determine the role of this variant in disease conclusively. Therefore, this variant is classified as a Variant of Uncertain Significance.

Ambry Genetics
Classification: Likely benign for Hereditary cancer-predisposing syndrome. Last evaluated: 2024-01-17. Review status: criteria provided, single submitter. Criteria: Ambry Variant Classification Scheme 2023. Collection method: clinical testing. Allele origin: germline.

Department of Pathology and Laboratory Medicine, Sinai Health System
Classification: Uncertain significance for Breast-ovarian cancer, familial, susceptibility to, 5. Last evaluated: 2022-11-28. Review status: criteria provided, single submitter. Criteria: ACMG Guidelines, 2015. Collection method: clinical testing. Allele origin: germline. Affected: yes.

Quest Diagnostics Nichols Institute San Juan Capistrano
Classification: Uncertain significance. Last evaluated: 2022-09-16. Review status: criteria provided, single submitter. Criteria: Quest Diagnostics criteria. Collection method: clinical testing. Allele origin: unknown.
Comment: The frequency of this variant in the general population, 0.0002 (7/34602 chromosomes), is uninformative in assessment of its pathogenicity. In the published literature, the variant has been reported as an incidental finding in an individual with history of colorectal cancer and endometrial cancer who was found to carry a homozygous pathogenic MUTYH variant (33384714 (2020)), and has also been reported in unaffected control individuals (PMID: 30287823 (2018)). Analysis of this variant using bioinformatics tools for the prediction of the effect of amino acid changes on protein structure and function yielded predictions that this variant is benign. Based on the available information, we are unable to determine the clinical significance of this variant.

Genetic Services Laboratory, University of Chicago
Classification: Uncertain significance. Last evaluated: 2021-06-15. Review status: criteria provided, single submitter. Criteria: ACMG Guidelines, 2015. Collection method: clinical testing. Allele origin: germline. Affected: no.
Comment: DNA sequence analysis of the PALB2 gene demonstrated a sequence change, c.229T>C, in exon 4 that results in an amino acid change, p.Cys77Arg. This sequence change has been described in the gnomAD database with frequency of 0.02% in the Latino/Admixed American subpopulation (dbSNP rs760045493). The p.Cys77Arg change affects a poorly conserved amino acid residue located in a domain of the PALB2 protein that is not known to be functional. The p.Cys77Arg substitution appears to be benign using several in-silico pathogenicity prediction tools (SIFT, PolyPhen2, Align GVGD, REVEL). Due to insufficient evidences and the lack of functional studies, the clinical significance of the p.Cys77Arg change remains unknown at this time

GeneDx
Classification: Uncertain significance. Last evaluated: 2021-05-12. Review status: criteria provided, single submitter. Criteria: GeneDx Variant Classification Process June 2021. Collection method: clinical testing. Allele origin: germline. Affected: yes.
Comment: In silico analysis supports that this missense variant does not alter protein structure/function; Co-observed with an apparently homozygous pathogenic MUTYH variant in an individual with colorectal and endometrial cancer (Fabikov 2020); This variant is associated with the following publications: (PMID: 30287823, 33384714)

Mendelics
Classification: Uncertain significance for Familial cancer of breast. Last evaluated: 2019-05-28. Review status: criteria provided, single submitter. Criteria: Mendelics Assertion Criteria 2017. Collection method: clinical testing. Allele origin: unknown.

Leiden Open Variation Database
Classification: Uncertain significance. Last evaluated: 2018-10-10. Review status: no assertion criteria provided. Collection method: curation. Allele origin: germline. Affected: yes. Not counted in ClinVar's aggregate classification.
Comment: Curators: Marc Tischkowitz, Arleen D. Auerbach. Submitter to LOVD: Yukihide Momozawa.

Literature cited by the submitters: PubMed 25085752 (cited by Myriad Genetics, Inc.); PubMed 29522266 (cited by 3 submitters); PubMed 30287823 (cited by 5 submitters); PubMed 31214711 (cited by 3 submitters); PubMed 32980694 (cited by Color Diagnostics, LLC DBA Color Health); PubMed 33384714 (cited by Ambry Genetics and Quest Diagnostics Nichols Institute San Juan Capistrano).

NM_024675.4(PALB2):c.229T>C (p.Cys77Arg)

Gene: PALB2 (partner and localizer of BRCA2; minus strand). Cytogenetic location: 16p12.2.
Variant type: single nucleotide variant.
Coding change: c.229T>C on transcript NM_024675.4 (MANE Select); coding-DNA position 229, T replaced by C.
Protein change: p.Cys77Arg; replaces cysteine 77 with arginine.
Molecular consequence: missense variant.
Genome position (GRCh38, 1-based): chr16:23,636,317, A>G on the plus strand (T>C on the coding strand, the complement: PALB2 is on the minus strand). VCF-style: chr16-23636317-A-G. GRCh37 (hg19) VCF-style: chr16-23647638-A-G.
Other names: short protein forms C77R.
Identifiers: ClinVar variation 233693 (VCV000233693.33), dbSNP rs760045493, ClinGen allele CA7963811.